The following is an entry in ClinVar:

ClinVar aggregate classification (germline): Likely benign. Review status: criteria provided, multiple submitters, no conflicts (2 of 4 stars). 4 submissions from 4 submitters: Likely benign (4). Last evaluated 2025-09-15.

Conditions:
Cardiovascular phenotype. Identifiers: MedGen CN230736.
RASopathy. Also called: rasopathies; Noonan spectrum disorder. Identifiers: Orphanet 536391, MedGen C5555857, MONDO:0021060.

Allele frequency attached by ClinVar (database versions not stated): gnomAD 0.00004 and 0.00005; ESP Exome Variant Server 0.00008; ExAC 0.00002; gnomAD exomes 0.00002 and 0.00003; TOPMed 0.00002.
gnomAD v4.1: 48 of 1,612,800 alleles (0.003%); highest among the groups gnomAD compares: East Asian, 0.016%; no homozygotes.

Submissions (5):

Labcorp Genetics (formerly Invitae), Labcorp
Classification: Likely benign for RASopathy. Last evaluated: 2025-09-15. Review status: criteria provided, single submitter. Criteria: Invitae Variant Classification Sherloc (09022015). Collection method: clinical testing. Allele origin: germline.

Ambry Genetics
Classification: Likely benign for Cardiovascular phenotype. Last evaluated: 2023-03-07. Review status: criteria provided, single submitter. Criteria: Ambry Variant Classification Scheme 2023. Collection method: clinical testing. Allele origin: germline.

Women's Health and Genetics/Laboratory Corporation of America, LabCorp
Classification: Likely benign. Last evaluated: 2021-05-02. Review status: criteria provided, single submitter. Criteria: LabCorp Variant Classification Summary - May 2015. Collection method: clinical testing. Allele origin: germline.

GeneDx
Classification: Likely benign. Last evaluated: 2016-03-25. Review status: criteria provided, single submitter. Criteria: GeneDx Variant Classification (06012015). Collection method: clinical testing. Allele origin: germline. Affected: yes.
Comment: This variant is considered likely benign or benign based on one or more of the following criteria: it is a conservative change, it occurs at a poorly conserved position in the protein, it is predicted to be benign by multiple in silico algorithms, and/or has population frequency not consistent with disease.

Dr. Peter K. Rogan Lab, Western University
No classification provided (evidence only). Condition: Colorectal cancer. Review status: no classification provided. Collection method: in vitro. Allele origin: not applicable. Functional consequence: skipped exon. Not counted in ClinVar's aggregate classification.

NM_002880.4(RAF1):c.1272C>T (p.Cys424=)

Gene: RAF1 (Raf-1 proto-oncogene, serine/threonine kinase; minus strand). Cytogenetic location: 3p25.2.
Variant type: single nucleotide variant.
Coding change: c.1272C>T on transcript NM_002880.4 (MANE Select); coding-DNA position 1272, C replaced by T.
Protein change: p.Cys424=; no amino-acid change (cysteine 424 retained).
Molecular consequence: synonymous variant. On other transcripts: non-coding transcript variant (3).
Genome position (GRCh38, 1-based): chr3:12,590,896, G>A on the plus strand (C>T on the coding strand, the complement: RAF1 is on the minus strand). VCF-style: chr3-12590896-G-A. GRCh37 (hg19) VCF-style: chr3-12632395-G-A.
Other names: c.1332C>T, p.Cys444= (NM_001354689.3); c.1272C>T, p.Cys424= (NM_001354690.3); c.1029C>T, p.Cys343= (NM_001354691.3, NM_001354692.3); c.1173C>T, p.Cys391= (NM_001354693.3); c.1089C>T, p.Cys363= (NM_001354694.3); c.930C>T, p.Cys310= (NM_001354695.3).
Identifiers: ClinVar variation 379396 (VCV000379396.11), dbSNP rs142942142, ClinGen allele CA2259548.